The following is an entry in ClinVar:

ClinVar aggregate classification (germline): Pathogenic (0 of 4 stars; one submission).

Conditions:
ALG8 congenital disorder of glycosylation. Also called: CDG Ih; CONGENITAL DISORDER OF GLYCOSYLATION, TYPE Ih; ALG8-CDG. Identifiers: Orphanet 79325, MedGen C2931002, MONDO:0011969, OMIM 608104.

Submission:

Istanbul Faculty of Medicine, Istanbul University
Classification: Pathogenic for ALG8 congenital disorder of glycosylation. Last evaluated: 2020-12-25. Review status: no assertion criteria provided. Collection method: clinical testing. Allele origin: germline. Affected: yes. Observed: 1 variant allele.

NM_024079.5(ALG8):c.479A>T (p.His160Leu)

Gene: ALG8 (ALG8 alpha-1,3-glucosyltransferase; minus strand). Cytogenetic location: 11q14.1.
Variant type: single nucleotide variant.
Coding change: c.479A>T on transcript NM_024079.5 (MANE Select); coding-DNA position 479, A replaced by T.
Protein change: p.His160Leu; replaces histidine 160 with leucine.
Molecular consequence: missense variant.
Genome position (GRCh38, 1-based): chr11:78,119,249, T>A on the plus strand (A>T on the coding strand, the complement: ALG8 is on the minus strand). VCF-style: chr11-78119249-T-A. GRCh37 (hg19) VCF-style: chr11-77830295-T-A.
Other names: c.479A>T, p.His160Leu (NM_001007027.3); short protein forms H160L.
Identifiers: ClinVar variation 1064698 (VCV001064698.3), dbSNP rs2136915887, ClinGen allele CA382118372.